The following is an entry in ClinVar:

NM_000179.3(MSH6):c.4002-8dup

Gene: MSH6 (mutS homolog 6; plus strand). Cytogenetic location: 2p16.3.
Variant type: Duplication.
Coding change: c.4002-8dup on transcript NM_000179.3 (MANE Select); 8 bases into the intron before coding-DNA position 4002, one base duplicated (A; older notation c.4002-8dupA).
Molecular consequence: intron variant.
Genome position (GRCh38, 1-based): chr2:47,806,771, A duplicated; the last of 2 consecutive A bases (chr2:47,806,770-47,806,771); duplicating either gives the same sequence. VCF-style (leftmost placement, unchanged base first): chr2-47806769-T-TA. GRCh37 (hg19) VCF-style: chr2-48033908-T-TA.
Other names: c.3096-8dup (NM_001281493.2, NM_001281494.2); c.3612-8dup (NM_001281492.2); c.4002-8dupA (NM_000179.2, NM_000179.3).
Identifiers: ClinVar variation 89515 (VCV000089515.23), dbSNP rs267608139, ClinGen allele CA015287.
Genomic context (GRCh38, chr2:47,806,769, plus strand): 5'-GTAAAAGGGGAAGGGATGATGCACTATGAAAAAACAAAAAAACTTTTTTTTTTTTTTTTT[T>TA]AATTTTAAGGGAAGTTTGCCTGGCTAGTGAAAGGTCAACTGTAGATGCTGAAGCTGTCCA-3'

ClinVar aggregate classification (germline): Conflicting classifications of pathogenicity. Review status: criteria provided, conflicting classifications (1 of 4 stars). 7 submissions from 7 submitters: Uncertain significance (2); Likely benign (4). 1 of the submissions does not count toward it. Last evaluated 2025-12-29.

Conditions:
MSH6-related disorder. Also called: MSH6-related condition; MSH6-Related disorders.
Hereditary nonpolyposis colorectal neoplasms. Identifiers: MedGen C0009405, MeSH D003123.
Lynch syndrome. Identifiers: Orphanet 144, MedGen C4552100, MONDO:0005835. Disease mechanism: loss of function.
Hereditary cancer-predisposing syndrome. Also called: Tumor predisposition; Hereditary Cancer Syndrome; Hereditary neoplastic syndrome; Neoplastic Syndromes, Hereditary. Identifiers: Orphanet 140162, MedGen C0027672, MeSH D009386, MONDO:0015356.

Submissions (7):

Center for Genomic Medicine, Rigshospitalet, Copenhagen University Hospital
Classification: Likely benign. Last evaluated: 2025-12-29. Review status: criteria provided, single submitter. Criteria: ACMG Guidelines, 2015. Collection method: clinical testing. Allele origin: germline.
Comment: Classification criteria: BP4, PMS2_supporting

Labcorp Genetics (formerly Invitae), Labcorp
Classification: Likely benign for Hereditary nonpolyposis colorectal neoplasms. Last evaluated: 2025-11-10. Review status: criteria provided, single submitter. Criteria: Invitae Variant Classification Sherloc (09022015). Collection method: clinical testing. Allele origin: germline.

All of Us Research Program, National Institutes of Health
Classification: Likely benign for Lynch syndrome. Last evaluated: 2024-08-06. Review status: criteria provided, single submitter. Criteria: ACMG Guidelines, 2015. Collection method: clinical testing. Allele origin: germline. Inheritance: Autosomal dominant inheritance. Observed: 4 variant alleles, 4 heterozygotes.
Comment: This study involves interpretation of variants in research participants for the purpose of population health screening. Participant phenotype was not available at the time of variant classification. Additional details can be found in publication PMID: 35346344, PMCID: PMC8962531

Department of Pathology and Laboratory Medicine, Sinai Health System
Classification: Uncertain significance for Lynch syndrome. Last evaluated: 2023-03-03. Review status: criteria provided, single submitter. Criteria: ACMG Guidelines, 2015. Collection method: clinical testing. Allele origin: germline. Affected: yes.

Quest Diagnostics Nichols Institute San Juan Capistrano
Classification: Uncertain significance. Last evaluated: 2023-02-16. Review status: criteria provided, single submitter. Criteria: Quest Diagnostics criteria. Collection method: clinical testing. Allele origin: unknown.
Comment: To the best of our knowledge, the variant has not been reported in the published literature. The frequency of this variant in the general population, 0.000024 (6/244976 chromosomes), is uninformative in assessment of its pathogenicity. Analysis of this variant using software algorithms for the prediction of the effect of nucleotide changes on MSH6 mRNA splicing yielded inconclusive findings . Based on the available information, we are unable to determine the clinical significance of this variant.

Color Diagnostics, LLC DBA Color Health
Classification: Likely benign for Hereditary cancer-predisposing syndrome. Last evaluated: 2021-11-19. Review status: criteria provided, single submitter. Criteria: ACMG Guidelines, 2015. Collection method: clinical testing. Allele origin: germline.

PreventionGenetics, part of Exact Sciences
Classification: Likely benign for MSH6-related condition. Last evaluated: 2020-12-15. Review status: no assertion criteria provided. Collection method: clinical testing. Allele origin: germline. Not counted in ClinVar's aggregate classification.
Comment: This variant is classified as likely benign based on ACMG/AMP sequence variant interpretation guidelines (Richards et al. 2015 PMID: 25741868, with internal and published modifications).